The following is an entry in ClinVar:

NM_001687.5(ATP5F1D):c.92C>T (p.Ala31Val)

Genes: ATP5F1D (ATP synthase F1 subunit delta; plus strand), LOC130062903 (ATAC-STARR-seq lymphoblastoid silent region 9673; plus strand). Cytogenetic location: 19p13.3.
Variant type: single nucleotide variant.
Coding change: c.92C>T on transcript NM_001687.5 (MANE Select); coding-DNA position 92, C replaced by T.
Protein change: p.Ala31Val; replaces alanine 31 with valine.
Molecular consequence: missense variant.
Genome position (GRCh38, 1-based): chr19:1,241,942, C>T. VCF-style: chr19-1241942-C-T. GRCh37 (hg19) VCF-style: chr19-1241941-C-T.
Other names: c.92C>T, p.Ala31Val (NM_001001975.2); short protein forms A31V.
Identifiers: ClinVar variation 5001687 (VCV005001687.1).

ClinVar aggregate classification (germline): Uncertain significance (1 of 4 stars; one submission).

Conditions:
ATP5F1D-related disorder. Also called: ATP5F1D-related condition.

gnomAD v4.1: 2 of 1,497,070 alleles (0.00013%); highest among the groups gnomAD compares: Non-Finnish European, 0.00018%; no homozygotes.

Submission:

PreventionGenetics, part of Exact Sciences
Classification: Uncertain significance for ATP5F1D-related condition. Last evaluated: 2025-07-23. Review status: criteria provided, single submitter. Criteria: ACMG Guidelines, 2015. Collection method: clinical testing. Allele origin: germline.
Comment: The ATP5F1D c.92C>T variant is predicted to result in the amino acid substitution p.Ala31Val. To our knowledge, this variant has not been reported in the literature or in a large population database (gnomAD), indicating this variant is rare. At this time, the clinical significance of this variant is uncertain due to the absence of conclusive functional and genetic evidence.